The following is an entry in ClinVar:

ClinVar aggregate classification (germline): Pathogenic (1 of 4 stars; one submission).

Conditions:
Beckwith-Wiedemann syndrome (BWS). Also called: EMG SYNDROME; Exomphalos macroglossia gigantism syndrome. Identifiers: Orphanet 116, MedGen C0004903, MONDO:0007534, OMIM 130650.

Submission:

Labcorp Genetics (formerly Invitae), Labcorp
Classification: Pathogenic for Beckwith-Wiedemann syndrome. Last evaluated: 2018-11-08. Review status: criteria provided, single submitter. Criteria: Invitae Variant Classification Sherloc (09022015). Collection method: clinical testing. Allele origin: germline.
Comment: Loss-of-function variants in CDKN1C are known to be pathogenic (PMID: 20503313). This variant has not been reported in the literature in individuals with CDKN1C-related disease. The frequency data for this variant in the population databases is considered unreliable, as metrics indicate insufficient coverage at this position in the ExAC database. This sequence change creates a premature translational stop signal (p.Glu130Argfs*142) in the CDKN1C gene. It is expected to result in an absent or disrupted protein product. For these reasons, this variant has been classified as Pathogenic.

Literature cited by the submitters: PubMed 20503313.

NM_001122630.2(CDKN1C):c.354del (p.Glu119fs)

Gene: CDKN1C (cyclin dependent kinase inhibitor 1C; minus strand). Cytogenetic location: 11p15.4.
Variant type: Deletion.
Coding change: c.354del on transcript NM_001122630.2 (MANE Select); coding-DNA position 354, one base deleted (C; older notation c.354delC).
Protein change: p.Glu119fs; shifts the reading frame from glutamic acid 119.
Molecular consequence: frameshift variant. On other transcripts: intron variant (1).
Genome position (GRCh38, 1-based): chr11:2,885,103, G deleted on the plus strand (C on the coding strand, the reverse complement: CDKN1C is on the minus strand). VCF-style (leftmost placement, unchanged base first): chr11-2885102-CG-C. GRCh37 (hg19) VCF-style: chr11-2906332-CG-C.
Other names: c.387delC (NM_000076.2); c.387del, p.Glu130fs (NM_000076.2, NM_001362474.2); c.354del, p.Glu119fs (NM_001122631.2); c.255+99del (NM_001362475.2); short protein forms E130fs, E119fs.
Identifiers: ClinVar variation 646542 (VCV000646542.6), dbSNP rs1590150660, ClinGen allele CA915947955.